The following is an entry in ClinVar:

ClinVar aggregate classification (germline): Uncertain significance. Review status: criteria provided, multiple submitters, no conflicts (2 of 4 stars). 4 submissions from 4 submitters: Uncertain significance (3). 1 of the submissions does not count toward it. Last evaluated 2025-04-10.

Conditions:
Inborn genetic diseases. Identifiers: MedGen C0950123, MeSH D030342.
MYO5B-related disorder. Also called: MYO5B-related condition.
Congenital microvillous atrophy (DIAR2). Also called: DAVIDSON DISEASE; MICROVILLUS ATROPHY, CONGENITAL; Microvillus inclusion disease; Diarrhea 2 with microvillus atrophy, with or without cholestasis; CONGENITAL FAMILIAL PROTRACTED DIARRHEA WITH ENTEROCYTE BRUSH-BORDER ABNORMALITIES. Identifiers: Orphanet 2290, MedGen C0341306, MONDO:0009635, OMIM 251850.

Allele frequency attached by ClinVar (database versions not stated): 1000 Genomes Project 30x 0.00016; 1000 Genomes Project 0.00020; ExAC 0.00026; gnomAD exomes 0.00027 and 0.00057; gnomAD 0.00036; ESP Exome Variant Server 0.00041; TOPMed 0.00041.
gnomAD v4.1: 888 of 1,614,228 alleles (0.055%); highest among the groups gnomAD compares: Non-Finnish European, 0.071%; no homozygotes.

Submissions (4):

Ambry Genetics
Classification: Uncertain significance for Inborn genetic diseases. Last evaluated: 2025-04-10. Review status: criteria provided, single submitter. Criteria: Ambry Variant Classification Scheme 2023. Collection method: clinical testing. Allele origin: germline.

Labcorp Genetics (formerly Invitae), Labcorp
Classification: Uncertain significance. Last evaluated: 2022-09-07. Review status: criteria provided, single submitter. Criteria: Invitae Variant Classification Sherloc (09022015). Collection method: clinical testing. Allele origin: germline.
Comment: This sequence change replaces serine, which is neutral and polar, with isoleucine, which is neutral and non-polar, at codon 1233 of the MYO5B protein (p.Ser1233Ile). This variant is present in population databases (rs189721715, gnomAD 0.05%). This variant has not been reported in the literature in individuals affected with MYO5B-related conditions. ClinVar contains an entry for this variant (Variation ID: 327024). Algorithms developed to predict the effect of missense changes on protein structure and function are either unavailable or do not agree on the potential impact of this missense change (SIFT: "Deleterious"; PolyPhen-2: "Benign"; Align-GVGD: "Class C0"). In summary, the available evidence is currently insufficient to determine the role of this variant in disease. Therefore, it has been classified as a Variant of Uncertain Significance.

Illumina Laboratory Services, Illumina
Classification: Uncertain significance for Congenital microvillous atrophy. Last evaluated: 2018-01-13. Review status: criteria provided, single submitter. Criteria: ICSL Variant Classification Criteria 13 December 2019. Collection method: clinical testing. Allele origin: germline.

PreventionGenetics, part of Exact Sciences
Classification: Uncertain significance for MYO5B-related condition. Last evaluated: 2024-04-03. Review status: no assertion criteria provided. Collection method: clinical testing. Allele origin: germline. Not counted in ClinVar's aggregate classification.
Comment: The MYO5B c.3698G>T variant is predicted to result in the amino acid substitution p.Ser1233Ile. To our knowledge, this variant has not been reported in the literature. This variant is reported in 0.049% of alleles in individuals of European (Non-Finnish) descent in gnomAD. At this time, the clinical significance of this variant is uncertain due to the absence of conclusive functional and genetic evidence.

NM_001080467.3(MYO5B):c.3698G>T (p.Ser1233Ile)

Gene: MYO5B (myosin VB; minus strand). Cytogenetic location: 18q21.1.
Variant type: single nucleotide variant.
Coding change: c.3698G>T on transcript NM_001080467.3 (MANE Select); coding-DNA position 3698, G replaced by T.
Protein change: p.Ser1233Ile; replaces serine 1233 with isoleucine.
Molecular consequence: missense variant.
Genome position (GRCh38, 1-based): chr18:49,864,286, C>A on the plus strand (G>T on the coding strand, the complement: MYO5B is on the minus strand). VCF-style: chr18-49864286-C-A. GRCh37 (hg19) VCF-style: chr18-47390656-C-A.
Other names: short protein forms S1233I.
Identifiers: ClinVar variation 327024 (VCV000327024.12), dbSNP rs189721715, ClinGen allele CA8960618.